The following is an entry in ClinVar:

ClinVar aggregate classification (germline): Conflicting classifications of pathogenicity. Review status: criteria provided, conflicting classifications (1 of 4 stars). 2 submissions from 2 submitters: Uncertain significance (1); Likely benign (1). Last evaluated 2026-06-14.

Conditions:
Hereditary cancer-predisposing syndrome. Also called: Tumor predisposition; Hereditary Cancer Syndrome; Neoplastic Syndromes, Hereditary; Hereditary neoplastic syndrome. Identifiers: Orphanet 140162, MedGen C0027672, MeSH D009386, MONDO:0015356.
Carney complex, type 1 (CNC1). Also called: CARNEY MYXOMA-ENDOCRINE COMPLEX; CARNEY COMPLEX, TYPE I. Identifiers: Orphanet 1359, MedGen C2607929, MONDO:0008057, OMIM 160980.

Allele frequency attached by ClinVar (database versions not stated): gnomAD exomes 0.00001 and 0.00002; ExAC 0.00002.
gnomAD v4.1: 5 of 1,612,628 alleles (0.00031%); highest among the groups gnomAD compares: East Asian, 0.011%; no homozygotes.

Submissions (2):

Ambry Genetics
Classification: Likely benign for Hereditary cancer-predisposing syndrome. Last evaluated: 2026-06-14. Review status: criteria provided, single submitter. Criteria: Ambry Variant Classification Scheme 2023. Collection method: clinical testing. Allele origin: germline.

Labcorp Genetics (formerly Invitae), Labcorp
Classification: Uncertain significance for Carney complex, type 1. Last evaluated: 2025-07-07. Review status: criteria provided, single submitter. Criteria: Invitae Variant Classification Sherloc (09022015). Collection method: clinical testing. Allele origin: germline.
Comment: This sequence change replaces glutamic acid, which is acidic and polar, with glycine, which is neutral and non-polar, at codon 52 of the PRKAR1A protein (p.Glu52Gly). This variant is present in population databases (rs748547646, gnomAD 0.03%). This variant has not been reported in the literature in individuals affected with PRKAR1A-related conditions. ClinVar contains an entry for this variant (Variation ID: 640661). Invitae Evidence Modeling of protein sequence and biophysical properties (such as structural, functional, and spatial information, amino acid conservation, physicochemical variation, residue mobility, and thermodynamic stability) has been performed for this missense variant. However, the output from this modeling did not meet the statistical confidence thresholds required to predict the impact of this variant on PRKAR1A protein function. In summary, the available evidence is currently insufficient to determine the role of this variant in disease. Therefore, it has been classified as a Variant of Uncertain Significance.

NM_002734.5(PRKAR1A):c.155A>G (p.Glu52Gly)

Gene: PRKAR1A (protein kinase cAMP-dependent type I regulatory subunit alpha; plus strand). Cytogenetic location: 17q24.2.
Variant type: single nucleotide variant.
Coding change: c.155A>G on transcript NM_002734.5 (MANE Select); coding-DNA position 155, A replaced by G.
Protein change: p.Glu52Gly; replaces glutamic acid 52 with glycine.
Molecular consequence: missense variant.
Genome position (GRCh38, 1-based): chr17:68,515,554, A>G. VCF-style: chr17-68515554-A-G. GRCh37 (hg19) VCF-style: chr17-66511695-A-G.
Other names: c.155A>G, p.Glu52Gly (NM_001276289.2, NM_001276290.1, NM_001278433.2 and 4 more transcripts); c.155A>G (NM_002734.3); short protein forms E52G.
Identifiers: ClinVar variation 640661 (VCV000640661.9), dbSNP rs748547646, ClinGen allele CA8729165.
Genomic context (GRCh38, chr17:68,515,554, plus strand): 5'-AAGATTCTATTGTGCAGTTGTGCACTGCTCGACCTGAGAGACCCATGGCATTCCTCAGGG[A>G]ATACTTTGAGAGGTTGGAGAAGGTAAAAATAAATGTGGGGAGATGATGAGGTGATTGTGA-3'
Protein context (NP_002725.1, residues 42-62): RPERPMAFLR[Glu52Gly]YFERLEKEEA